The following is an entry in ClinVar:

ClinVar aggregate classification (germline): Pathogenic (1 of 4 stars; one submission).

Conditions:
BBS2-related ciliopathy. Identifiers: MedGen CN378634, MONDO:1040048.

Submission:

Myriad Genetics, Inc.
Classification: Pathogenic for BBS2-related ciliopathy. Last evaluated: 2026-05-07. Review status: criteria provided, single submitter. Criteria: Myriad Autosomal Dominant, Autosomal Recessive and X-Linked Classification Criteria (2023). Collection method: clinical testing. Allele origin: unknown.
Comment: NM_031885.3(BBS2):c.148C>T(Q50*) is expected to be pathogenic in the context of Bardet-Biedl syndrome, BBS2-related. This variant is predicted to lead to an abnormal or absent protein product due to the creation of a premature termination codon in BBS2, a gene where loss-of-function variants are known to be pathogenic. Please note: this variant was assessed in the context of healthy population screening.

NM_031885.5(BBS2):c.148C>T (p.Gln50Ter)

Gene: BBS2 (Bardet-Biedl syndrome 2; minus strand). Cytogenetic location: 16q13.
Variant type: single nucleotide variant.
Coding change: c.148C>T on transcript NM_031885.5 (MANE Select); coding-DNA position 148, C replaced by T.
Protein change: p.Gln50Ter; replaces glutamine 50 with a stop codon.
Molecular consequence: nonsense. On other transcripts: non-coding transcript variant (5).
Genome position (GRCh38, 1-based): chr16:56,514,650, G>A on the plus strand (C>T on the coding strand, the complement: BBS2 is on the minus strand). VCF-style: chr16-56514650-G-A. GRCh37 (hg19) VCF-style: chr16-56548562-G-A.
Other names: c.148C>T, p.Gln50Ter (NM_001377456.1); short protein forms Q50*.
Identifiers: ClinVar variation 5015890 (VCV005015890.1).
Genomic context (GRCh38, chr16:56,514,650, plus strand): 5'-TGAGAAGAGAAACATCAGATTCCAGGGGGCTCTGGAAGACCCTGGATGCACTGACATGCT[G>A]GTTCCGTGTATGAGGATTATGAATAAAAACCTGAAACAAAAATAACTAATTACATTCCCT-3'